The following is an entry in ClinVar:

ClinVar aggregate classification (germline): Uncertain significance (1 of 4 stars; one submission).

Allele frequency attached by ClinVar (database versions not stated): gnomAD exomes below 0.00001.
gnomAD v4.1: 1 of 1,613,554 alleles (0.000062%); highest among the groups gnomAD compares: Non-Finnish European, 0.000085%; no homozygotes.

Submission:

Labcorp Genetics (formerly Invitae), Labcorp
Classification: Uncertain significance. Last evaluated: 2021-08-21. Review status: criteria provided, single submitter. Criteria: Invitae Variant Classification Sherloc (09022015). Collection method: clinical testing. Allele origin: germline.
Comment: This sequence change replaces isoleucine with methionine at codon 283 of the MME protein (p.Ile283Met). The isoleucine residue is moderately conserved and there is a small physicochemical difference between isoleucine and methionine. This variant is not present in population databases (ExAC no frequency). This variant has not been reported in the literature in individuals affected with MME-related conditions. Algorithms developed to predict the effect of missense changes on protein structure and function are either unavailable or do not agree on the potential impact of this missense change (SIFT: "Tolerated"; PolyPhen-2: "Probably Damaging"; Align-GVGD: "Class C0"). In summary, the available evidence is currently insufficient to determine the role of this variant in disease. Therefore, it has been classified as a Variant of Uncertain Significance.

NM_007289.4(MME):c.849T>G (p.Ile283Met)

Gene: MME (membrane metalloendopeptidase; plus strand). Cytogenetic location: 3q25.2.
Variant type: single nucleotide variant.
Coding change: c.849T>G on transcript NM_007289.4 (MANE Select); coding-DNA position 849, T replaced by G.
Protein change: p.Ile283Met; replaces isoleucine 283 with methionine.
Molecular consequence: missense variant.
Genome position (GRCh38, 1-based): chr3:155,138,230, T>G. VCF-style: chr3-155138230-T-G. GRCh37 (hg19) VCF-style: chr3-154856019-T-G.
Other names: c.849T>G, p.Ile283Met (NM_000902.5, NM_001354642.2, NM_001354643.1 and 2 more transcripts); short protein forms I283M.
Identifiers: ClinVar variation 1376759 (VCV001376759.6), dbSNP rs1345407842, ClinGen allele CA355129458.
Genomic context (GRCh38, chr3:155,138,230, plus strand): 5'-CATCGATGAAAACCAGCTTGCTTTGGAAATGAATAAAGTTATGGAATTGGAAAAAGAAAT[T>G]GCCAATGTAAAACACATTTTTTTTTCTGATACACTGAATAATGTCAACCGCTTTTTTTCT-3'
Protein context (NP_009220.2, residues 273-293): MNKVMELEKE[Ile283Met]ANATAKPEDR